The following is an entry in ClinVar:

ClinVar aggregate classification (germline): Likely pathogenic (1 of 4 stars; one submission).

Conditions:
Troyer syndrome (SPG20). Identifiers: Orphanet 101000, MedGen C0393559, MONDO:0010156, OMIM 275900.

Submission:

Juno Genomics, Hangzhou Juno Genomics, Inc
Classification: Likely pathogenic for Troyer syndrome. Review status: criteria provided, single submitter. Criteria: ACMG Guidelines, 2015. Collection method: clinical testing. Allele origin: germline.
Comment: Absent from controls (or at extremely low frequency if recessive) in Genome Aggregation Database.;Null variant in a gene where loss of function (LOF) is a known mechanism of disease.

NM_015087.5(SPART):c.943_949dup (p.Glu317fs)

Gene: SPART (spartin; minus strand). Cytogenetic location: 13q13.3.
Variant type: Duplication.
Coding change: c.943_949dup on transcript NM_015087.5 (MANE Select); coding-DNA positions 943 to 949, 7 bases duplicated (TTACCAG; older notation c.943_949dupTTACCAG).
Protein change: p.Glu317fs; shifts the reading frame from glutamic acid 317.
Molecular consequence: frameshift variant.
Genome position (GRCh38, 1-based): chr13:36,331,458-36,331,464, CTGGTAA duplicated on the plus strand (TTACCAG on the coding strand, the reverse complement: SPART is on the minus strand); duplicating any 7 consecutive bases within chr13:36,331,458-36,331,466 gives the same sequence; the c. name uses the placement nearest the transcript's 3' end. VCF-style (leftmost placement, unchanged base first): chr13-36331457-T-TCTGGTAA. GRCh37 (hg19) VCF-style: chr13-36905594-T-TCTGGTAA.
Other names: c.943_949dup, p.Glu317fs (NM_001142294.2, NM_001142295.2, NM_001142296.2); short protein forms E317fs.
Identifiers: ClinVar variation 5019550 (VCV005019550.2).
Genomic context (GRCh38, chr13:36,331,457, plus strand): 5'-ACCTGGAGCCGAAGGTCAGACATTTGCCTTAACAGATCCTCAAAGAGCTCTCTATCATCC[T>TCTGGTAA]CTGGTAACTCAGAGGACAGGACGACCCCCACAAAGCATCCTGCTGCTTGTAGCATTGTAT-3'